The following is an entry in ClinVar:

ClinVar aggregate classification (germline): Uncertain significance (1 of 4 stars; one submission).

Conditions:
Craniolenticulosutural dysplasia (CLSD). Also called: BOYADJIEV-JABS SYNDROME. Identifiers: Orphanet 50814, MedGen C1843042, MONDO:0011911, OMIM 607812.

Submission:

Baylor Genetics
Classification: Uncertain significance for Craniolenticulosutural dysplasia. Last evaluated: 2018-08-02. Review status: criteria provided, single submitter. Criteria: ACMG Guidelines, 2015. Collection method: clinical testing. Allele origin: de novo. Affected: yes.
Comment: This variant was determined to be of uncertain significance according to ACMG Guidelines, 2015 [PMID:25741868].

NM_006364.4(SEC23A):c.1123G>T (p.Asp375Tyr)

Gene: SEC23A (SEC23 homolog A, COPII coat complex component; minus strand). Cytogenetic location: 14q21.1.
Variant type: single nucleotide variant.
Coding change: c.1123G>T on transcript NM_006364.4 (MANE Select); coding-DNA position 1123, G replaced by T.
Protein change: p.Asp375Tyr; replaces aspartic acid 375 with tyrosine.
Molecular consequence: missense variant.
Genome position (GRCh38, 1-based): chr14:39,067,277, C>A on the plus strand (G>T on the coding strand, the complement: SEC23A is on the minus strand). VCF-style: chr14-39067277-C-A. GRCh37 (hg19) VCF-style: chr14-39536481-C-A.
Other names: short protein forms D375Y.
Identifiers: ClinVar variation 1033096 (VCV001033096.1), dbSNP rs1886702078, ClinGen allele CA389535300.